The following is an entry in ClinVar:

NM_144772.3(NAXE):c.164C>T (p.Thr55Met)

Gene: NAXE (NAD(P)HX epimerase; plus strand). Cytogenetic location: 1q22.
Variant type: single nucleotide variant.
Coding change: c.164C>T on transcript NM_144772.3 (MANE Select); coding-DNA position 164, C replaced by T.
Protein change: p.Thr55Met; replaces threonine 55 with methionine.
Molecular consequence: missense variant.
Genome position (GRCh38, 1-based): chr1:156,591,968, C>T. VCF-style: chr1-156591968-C-T. GRCh37 (hg19) VCF-style: chr1-156561760-C-T.
Other names: short protein forms T55M.
Identifiers: ClinVar variation 2143271 (VCV002143271.3), dbSNP rs1553232337, ClinGen allele CA1162650.
Genomic context (GRCh38, chr1:156,591,968, plus strand): 5'-GGTGGGGACCGCAGCGGCTGAACTCGGGTGGCCGCTGGGACTCAGAGGTCATGGCGAGCA[C>T]GGTGGTGAAGTACCTGAGGTAGGCACGGGTCTCGGGTGGCCTGCTCTGCCCCGGGGCGGG-3'
Protein context (NP_658985.2, residues 45-65): GRWDSEVMAS[Thr55Met]VVKYLSQEEA

ClinVar aggregate classification (germline): Uncertain significance (1 of 4 stars; one submission).

Allele frequency attached by ClinVar (database versions not stated): gnomAD 0.00003; gnomAD exomes 0.00008; ExAC 0.00011.
gnomAD v4.1: 124 of 1,613,088 alleles (0.0077%); highest among the groups gnomAD compares: South Asian, 0.063%; no homozygotes.

Submission:

Labcorp Genetics (formerly Invitae), Labcorp
Classification: Uncertain significance. Last evaluated: 2023-07-17. Review status: criteria provided, single submitter. Criteria: Invitae Variant Classification Sherloc (09022015). Collection method: clinical testing. Allele origin: germline.
Comment: This sequence change replaces threonine, which is neutral and polar, with methionine, which is neutral and non-polar, at codon 55 of the NAXE protein (p.Thr55Met). In summary, the available evidence is currently insufficient to determine the role of this variant in disease. Therefore, it has been classified as a Variant of Uncertain Significance. An algorithm developed to predict the effect of missense changes on protein structure and function (PolyPhen-2) suggests that this variant¬†is likely to be tolerated. ClinVar contains an entry for this variant (Variation ID: 2143271). This variant has not been reported in the literature in individuals affected with NAXE-related conditions. This variant is present in population databases (no rsID available, gnomAD 0.08%).